The following is an entry in ClinVar:

ClinVar aggregate classification (germline): Uncertain significance (1 of 4 stars; one submission).

Conditions:
Hereditary cancer-predisposing syndrome. Also called: Neoplastic Syndromes, Hereditary; Tumor predisposition; Hereditary neoplastic syndrome; Hereditary Cancer Syndrome. Identifiers: Orphanet 140162, MedGen C0027672, MeSH D009386, MONDO:0015356.

Submission:

Ambry Genetics
Classification: Uncertain significance for Hereditary cancer-predisposing syndrome. Last evaluated: 2026-07-07. Review status: criteria provided, single submitter. Criteria: Ambry Variant Classification Scheme 2023. Collection method: clinical testing. Allele origin: germline.
Comment: The p.I231T variant (also known as c.692T>C), located in coding exon 4 of the PDGFRA gene, results from a T to C substitution at nucleotide position 692. The isoleucine at codon 231 is replaced by threonine, an amino acid with similar properties. This amino acid position is conserved. In addition, the in silico prediction for this alteration is inconclusive. Based on the available evidence, the clinical significance of this variant remains unclear.

NM_006206.6(PDGFRA):c.692T>C (p.Ile231Thr)

Gene: PDGFRA (platelet derived growth factor receptor alpha; plus strand). Cytogenetic location: 4q12.
Variant type: single nucleotide variant.
Coding change: c.692T>C on transcript NM_006206.6 (MANE Select); coding-DNA position 692, T replaced by C.
Protein change: p.Ile231Thr; replaces isoleucine 231 with threonine.
Molecular consequence: missense variant.
Genome position (GRCh38, 1-based): chr4:54,264,982, T>C. VCF-style: chr4-54264982-T-C. GRCh37 (hg19) VCF-style: chr4-55131149-T-C.
Other names: c.692T>C, p.Ile231Thr (NM_001347827.2, NM_001347829.2); c.767T>C, p.Ile256Thr (NM_001347828.2); c.731T>C, p.Ile244Thr (NM_001347830.2); short protein forms I231T, I256T, I244T.
Identifiers: ClinVar variation 5026433 (VCV005026433.1).